The following is an entry in ClinVar:

ClinVar aggregate classification (germline): Uncertain significance (1 of 4 stars; one submission).

Conditions:
Inborn genetic diseases. Identifiers: MedGen C0950123, MeSH D030342.

Allele frequency attached by ClinVar (database versions not stated): ExAC 0.00003; gnomAD exomes 0.00003; gnomAD 0.00004; TOPMed 0.00005; ESP Exome Variant Server 0.00015.
gnomAD v4.1: 48 of 1,613,872 alleles (0.003%); highest among the groups gnomAD compares: South Asian, 0.0055%; no homozygotes.

Submission:

Ambry Genetics
Classification: Uncertain significance for Inborn genetic diseases. Last evaluated: 2025-02-20. Review status: criteria provided, single submitter. Criteria: Ambry Variant Classification Scheme 2023. Collection method: clinical testing. Allele origin: germline.
Comment: The c.1316G>A (p.R439Q) alteration is located in exon 16 (coding exon 16) of the ANTXR1 gene. This alteration results from a G to A substitution at nucleotide position 1316, causing the arginine (R) at amino acid position 439 to be replaced by a glutamine (Q). The p.R439Q alteration is predicted to be tolerated by in silico analysis. Based on insufficient or conflicting evidence, the clinical significance of this alteration remains unclear.

NM_032208.3(ANTXR1):c.1316G>A (p.Arg439Gln)

Gene: ANTXR1 (ANTXR cell adhesion molecule 1; plus strand). Cytogenetic location: 2p13.3.
Variant type: single nucleotide variant.
Coding change: c.1316G>A on transcript NM_032208.3 (MANE Select); coding-DNA position 1316, G replaced by A.
Protein change: p.Arg439Gln; replaces arginine 439 with glutamine.
Molecular consequence: missense variant.
Genome position (GRCh38, 1-based): chr2:69,182,623, G>A. VCF-style: chr2-69182623-G-A. GRCh37 (hg19) VCF-style: chr2-69409755-G-A.
Other names: short protein forms R439Q.
Identifiers: ClinVar variation 2388425 (VCV002388425.3), dbSNP rs149800589, ClinGen allele CA1693298.
Genomic context (GRCh38, chr2:69,182,623, plus strand): 5'-AGATGCCGGAGCAGGAATATGAATTCCCTGAGCCGCGAAATCTCAACAACAATATGCGTC[G>A]GCCTTCTTCCCCCCGGAAGTGGTACTCTCCAATCAAGGTGTGTCTCTTTACTCAAAAAAT-3'
Protein context (NP_115584.1, residues 429-449): EPRNLNNNMR[Arg439Gln]PSSPRKWYSP